The following is an entry in ClinVar:

ClinVar aggregate classification (germline): Uncertain significance (1 of 4 stars; one submission).

Conditions:
ATG16L1-related disorder. Also called: ATG16L1-related condition.

gnomAD v4.1: 22 of 1,613,992 alleles (0.0014%); highest among the groups gnomAD compares: Non-Finnish European, 0.0019%; no homozygotes.

Submission:

PreventionGenetics, part of Exact Sciences
Classification: Uncertain significance for ATG16L1-related condition. Last evaluated: 2025-10-01. Review status: criteria provided, single submitter. Criteria: ACMG Guidelines, 2015. Collection method: clinical testing. Allele origin: germline.
Comment: The ATG16L1 c.1627A>G variant is predicted to result in the amino acid substitution p.Ser543Gly. To our knowledge, this variant has not been reported in the literature or in a large population database (gnomAD), indicating this variant is rare. At this time, the clinical significance of this variant is uncertain due to the absence of conclusive functional and genetic evidence.

NM_030803.7(ATG16L1):c.1684A>G (p.Ser562Gly)

Gene: ATG16L1 (autophagy related 16 like 1; plus strand). Cytogenetic location: 2q37.1.
Variant type: single nucleotide variant.
Coding change: c.1684A>G on transcript NM_030803.7 (MANE Select); coding-DNA position 1684, A replaced by G.
Protein change: p.Ser562Gly; replaces serine 562 with glycine.
Molecular consequence: missense variant.
Genome position (GRCh38, 1-based): chr2:233,293,311, A>G. VCF-style: chr2-233293311-A-G. GRCh37 (hg19) VCF-style: chr2-234201957-A-G.
Other names: c.1432A>G, p.Ser478Gly (NM_001190266.2); c.1336A>G, p.Ser446Gly (NM_001190267.2); c.1735A>G, p.Ser579Gly (NM_001363742.2); c.1627A>G, p.Ser543Gly (NM_017974.4); c.1195A>G, p.Ser399Gly (NM_198890.3); short protein forms S399G, S579G, S446G, S478G, S543G, S562G.
Identifiers: ClinVar variation 4987634 (VCV004987634.1).